The following is an entry in ClinVar:

ClinVar aggregate classification (germline): Uncertain significance (1 of 4 stars; one submission).

Conditions:
POLD1-related polyposis and colorectal cancer syndrome (CRCS10). Also called: COLORECTAL CANCER, SUSCEPTIBILITY TO, ON CHROMOSOME 19q; Colorectal cancer 10; Colorectal cancer, susceptibility to, 10. Identifiers: Orphanet 220460, MedGen C2675481, MONDO:0012953, OMIM 612591.

Submission:

Labcorp Genetics (formerly Invitae), Labcorp
Classification: Uncertain significance for POLD1-related polyposis and colorectal cancer syndrome. Last evaluated: 2025-04-23. Review status: criteria provided, single submitter. Criteria: Invitae Variant Classification Sherloc (09022015). Collection method: clinical testing. Allele origin: germline.
Comment: This sequence change replaces threonine, which is neutral and polar, with lysine, which is basic and polar, at codon 1056 of the POLD1 protein (p.Thr1056Lys). This variant is not present in population databases (gnomAD no frequency). This variant has not been reported in the literature in individuals affected with POLD1-related conditions. Invitae Evidence Modeling of protein sequence and biophysical properties (such as structural, functional, and spatial information, amino acid conservation, physicochemical variation, residue mobility, and thermodynamic stability) indicates that this missense variant is expected to disrupt POLD1 protein function with a positive predictive value of 80%. In summary, the available evidence is currently insufficient to determine the role of this variant in disease. Therefore, it has been classified as a Variant of Uncertain Significance.

NM_002691.4(POLD1):c.3167C>A (p.Thr1056Lys)

Gene: POLD1 (DNA polymerase delta 1, catalytic subunit; plus strand). Cytogenetic location: 19q13.33.
Variant type: single nucleotide variant.
Coding change: c.3167C>A on transcript NM_002691.4 (MANE Select); coding-DNA position 3167, C replaced by A.
Protein change: p.Thr1056Lys; replaces threonine 1056 with lysine.
Molecular consequence: missense variant. On other transcripts: non-coding transcript variant (1).
Genome position (GRCh38, 1-based): chr19:50,417,218, C>A. VCF-style: chr19-50417218-C-A. GRCh37 (hg19) VCF-style: chr19-50920475-C-A.
Other names: c.3167C>A, p.Thr1056Lys (NM_001256849.1, NM_001438212.1, NM_001438213.1); c.3245C>A, p.Thr1082Lys (NM_001308632.1); c.3095C>A, p.Thr1032Lys (NM_001438210.1, NM_001438211.1); short protein forms T1056K, T1032K, T1082K.
Identifiers: ClinVar variation 4742298 (VCV004742298.1).